The following is an entry in ClinVar:

NM_000207.3(INS):c.95G>T (p.Gly32Val)

Genes: INS (insulin; minus strand), INS-IGF2 (INS-IGF2 readthrough; minus strand). Cytogenetic location: 11p15.5.
Variant type: single nucleotide variant.
Coding change: c.95G>T on transcript NM_000207.3 (MANE Select); coding-DNA position 95, G replaced by T.
Protein change: p.Gly32Val; replaces glycine 32 with valine.
Molecular consequence: missense variant. On other transcripts: non-coding transcript variant (1).
Genome position (GRCh38, 1-based): chr11:2,160,877, C>A on the plus strand (G>T on the coding strand, the complement: INS is on the minus strand). VCF-style: chr11-2160877-C-A. GRCh37 (hg19) VCF-style: chr11-2182107-C-A.
Other names: c.95G>T, p.Gly32Val (NM_001185097.2, NM_001185098.2, NM_001291897.2 and 1 more transcripts); short protein forms G32V.
Identifiers: ClinVar variation 1338622 (VCV001338622.4), dbSNP rs2133676747, ClinGen allele CA379121802.

ClinVar aggregate classification (germline): Likely pathogenic (1 of 4 stars; one submission).

Submission:

Genetic Services Laboratory, University of Chicago
Classification: Likely pathogenic. Last evaluated: 2021-01-04. Review status: criteria provided, single submitter. Criteria: ACMG Guidelines, 2015. Collection method: clinical testing. Allele origin: germline. Affected: yes.
Comment: The p.Gly32Val change affects a highly conserved amino acid residue located in a domain of the INS protein that is known to be functional. It is located in the residue B8 of the insulin molecule and any substitutions at this position are predicted to impact the disulfide pairing and disrupt normal folding (PMID: 17855560). The p.Gly32Val substitution appears to be deleterious using several in-silico pathogenicity prediction tools (SIFT, PolyPhen2, Align GVGD, REVEL). This particular amino acid change does not appear to have been described in the literature in other patients with INS related disorder, however, a different pathogenic sequence change affecting the same amino acid residue (p.Gly32Ser) has been previously shown to co-segregate in a family with multiple affected family members with neonatal diabetes mellitus (PMID: 17855560). This sequence change is absent from the large population databases such as ExAC and gnomAD. These collective evidences indicate that this sequence change is the likely cause of this patient's phenotype; however functional studies have not been performed to prove this conclusively.